The following is an entry in ClinVar:

ClinVar aggregate classification (germline): Pathogenic/Likely pathogenic. Review status: criteria provided, multiple submitters, no conflicts (2 of 4 stars). 12 submissions from 12 submitters: Pathogenic (6); Likely pathogenic (5). 1 of the submissions does not count toward it. Last evaluated 2026-10-16.

Conditions:
Cardiovascular phenotype. Identifiers: MedGen CN230736.
MYBPC3-related disorder. Also called: MYBPC3-related disorders; MYBPC3-related condition; MYBPC3-related disease.
Left ventricular noncompaction cardiomyopathy. Also called: left ventricular non-compaction cardiomyopathy. Identifiers: MedGen C4021133, HP:0011664.
Primary dilated cardiomyopathy (DCM). Also called: Dilated Cardiomyopathy. Identifiers: Orphanet 217604, MedGen C0007193, MeSH D002311, MONDO:0005021, HP:0001644. Inheritance: Various modes of inheritance.
Hypertrophic cardiomyopathy 4. Also called: Familial hypertrophic cardiomyopathy 4. Identifiers: MedGen C1861862, MONDO:0007268, OMIM 115197.
Left ventricular noncompaction 10 (LVNC10). Identifiers: Orphanet 154, Orphanet 54260, MedGen C3715165, MONDO:0014163, OMIM 615396.
Cardiomyopathy (CMYO). Also called: Cardiomyopathies. Identifiers: Orphanet 167848, MedGen C0878544, MONDO:0004994, HP:0001638. Inheritance: Various modes of inheritance.
Hypertrophic cardiomyopathy. Also called: HYPERTROPHIC MYOCARDIOPATHY. Identifiers: Orphanet 217569, MedGen C0007194, MeSH D002312, MONDO:0005045, HP:0001639.

Allele frequency attached by ClinVar (database versions not stated): gnomAD exomes below 0.00001; TOPMed below 0.00001; ExAC 0.00001; gnomAD 0.00001; ESP Exome Variant Server 0.00008.

Submissions (12):

GeneDx
Classification: Likely pathogenic. Last evaluated: 2026-10-16. Review status: criteria provided, single submitter. Criteria: GeneDx Variant Classification Process June 2021. Collection method: clinical testing. Allele origin: germline.
Comment: Nonsense variant predicted to result in protein truncation or nonsense mediated decay in a gene for which loss of function is a known mechanism of disease; Not observed at significant frequency in large population cohorts (gnomAD); This variant is associated with the following publications: (PMID: 21959974, 23074333, 24093860, 23299917, 24510615, 37652022, 32841044, 32746448, 35626289)

Labcorp Genetics (formerly Invitae), Labcorp
Classification: Pathogenic for Hypertrophic cardiomyopathy. Last evaluated: 2026-01-08. Review status: criteria provided, single submitter. Criteria: Invitae Variant Classification Sherloc (09022015). Collection method: clinical testing. Allele origin: germline.
Comment: This sequence change creates a premature translational stop signal (p.Trp1214*) in the MYBPC3 gene. It is expected to result in an absent or disrupted protein product. Loss-of-function variants in MYBPC3 are known to be pathogenic (PMID: 19574547). This variant is present in population databases (rs368765949, gnomAD 0.0009%). This premature translational stop signal has been observed in individual(s) with hypertrophic cardiomyopathy (PMID: 21959974, 24093860). ClinVar contains an entry for this variant (Variation ID: 162506). For these reasons, this variant has been classified as Pathogenic.

Ambry Genetics
Classification: Pathogenic for Cardiovascular phenotype. Last evaluated: 2025-07-08. Review status: criteria provided, single submitter. Criteria: Ambry Variant Classification Scheme 2023. Collection method: clinical testing. Allele origin: germline.
Comment: The p.W1214* pathogenic mutation (also known as c.3642G>A), located in coding exon 33 of the MYBPC3 gene, results from a G to A substitution at nucleotide position 3642. This changes the amino acid from a tryptophan to a stop codon within coding exon 33. This mutation has been reported in hypertrophic cardiomyopathy (HCM) cohorts, including one HCM case with an additional MYH7 variant also detected (Bashyam MD et al. Mol. Cell. Biochem., 2012 Jan;360:373-82; Marsiglia JD et al. Am. Heart J., 2013 Oct;166:775-82; Kapplinger JD et al. J Cardiovasc Transl Res, 2014 Apr;7:347-61; Ingles J et al. Circ Cardiovasc Genet, 2017 Apr;10:[Epub ahead of print]). This variant has also been seen in an exome cohort, but cardiovascular history was not provided (Andreasen C et al. Eur. J. Hum. Genet., 2013 Sep;21:918-28; Amendola LM et al. Genome Res., 2015 Mar;25:305-15). This variant is considered to be rare based on population cohorts in the Genome Aggregation Database (gnomAD). This alteration is expected to result in loss of function by premature protein truncation or nonsense-mediated mRNA decay. Based on the supporting evidence, this variant is interpreted as a disease-causing mutation.

ARUP Laboratories, Molecular Genetics and Genomics, ARUP Laboratories
Classification: Pathogenic. Last evaluated: 2024-11-05. Review status: criteria provided, single submitter. Criteria: ARUP Molecular Germline Variant Investigation Process 2024. Collection method: clinical testing. Allele origin: germline.
Comment: The MYBPC3 c.3642G>A; p.Trp1214Ter variant (rs368765949; ClinVar ID: 162506) is reported in the literature in multiple individuals affected with hypertrophic cardiomyopathy (Bashyam 2012, Burstein 2021, Helms 2020, Marsiglia 2013, Sepp 2022). This variant is absent from the Genome Aggregation Database (v2.1.1), indicating it is not a common polymorphism. This variant induces an early termination codon and is predicted to result in a truncated protein or mRNA subject to nonsense-mediated decay. Based on available information, this variant is considered to be pathogenic. References: Bashyam MD et al. A low prevalence of MYH7/MYBPC3 mutations among familial hypertrophic cardiomyopathy patients in India. Mol Cell Biochem. 2012 Jan;360(1-2):373-82. PMID: 21959974. Burstein DS et al. Genetic variant burden and adverse outcomes in pediatric cardiomyopathy. Pediatr Res. 2021 May;89(6):1470-1476. PMID: 32746448. Helms AS et al. Spatial and Functional Distribution of MYBPC3 Pathogenic Variants and Clinical Outcomes in Patients With Hypertrophic Cardiomyopathy. Circ Genom Precis Med. 2020 Oct;13(5):396-405. PMID: 32841044. Marsiglia JD et al. Screening of MYH7, MYBPC3, and TNNT2 genes in Brazilian patients with hypertrophic cardiomyopathy. Am Heart J. 2013 Oct;166(4):775-82. PMID: 24093860. Sepp R et al. The Genetic Architecture of Hypertrophic Cardiomyopathy in Hungary: Analysis of 242 Patients with a Panel of 98 Genes. Diagnostics (Basel). 2022 May 3;12(5):1132. PMID: 35626289.

CeGaT Center for Human Genetics Tuebingen
Classification: Pathogenic. Last evaluated: 2023-07-01. Review status: criteria provided, single submitter. Criteria: CeGaT Center For Human Genetics Tuebingen Variant Classification Criteria Version 2. Collection method: clinical testing. Allele origin: germline. Affected: yes. Observed: 1 variant allele.
Comment: MYBPC3: PVS1, PM2, PS4:Moderate

Fulgent Genetics
Classification: Likely pathogenic for Hypertrophic cardiomyopathy 4; Left ventricular noncompaction 10. Last evaluated: 2021-09-16. Review status: criteria provided, single submitter. Criteria: ACMG Guidelines, 2015. Collection method: clinical testing. Allele origin: unknown.

Institute of Medical Genetics and Applied Genomics, University Hospital Tübingen
Classification: Pathogenic. Last evaluated: 2020-10-23. Review status: criteria provided, single submitter. Criteria: ACMG Guidelines, 2015. Collection method: clinical testing. Allele origin: germline. Inheritance: Autosomal unknown. Affected: yes.

Petrovsky National Research Centre of Surgery, The Federal Agency for Scientific Organizations
Classification: Likely pathogenic for Left ventricular noncompaction cardiomyopathy; Primary dilated cardiomyopathy. Last evaluated: 2020-10-15. Review status: criteria provided, single submitter. Criteria: ACMG Guidelines, 2015. Collection method: clinical testing. Allele origin: unknown. Inheritance: Autosomal dominant inheritance. Affected: yes. Observed: 1 heterozygote.
Comment: The family was unavailable for screening. The p.W1214* genetic variant is a nonsense mutation in the MYBPC3 gene. No functional studies are available for the p.W1214* variant, however, nonsense variants in MYBPC3 gene are well-known to cause cardiomyopathy through haploinsufficiency. According to Cardio Classifier predictions, mRNA carrying the p.W1214* variant, will be processed through nonsence-mediated decay mechanism, leading to haploinsufficiency. We assume that the p.W1214* variant could be classified as likely pathogenic.

Color Diagnostics, LLC DBA Color Health
Classification: Pathogenic for Cardiomyopathy. Last evaluated: 2019-08-20. Review status: criteria provided, single submitter. Criteria: ACMG Guidelines, 2015. Collection method: clinical testing. Allele origin: germline.
Comment: This variant changes 1 nucleotide in exon 33 of the MYBPC3 gene, creating a premature translation stop signal. This variant is expected to result in an absent or non-functional protein product. Splice site prediction tools suggest that this variant may not impact RNA splicing. To our knowledge, functional studies have not been performed for this variant. A different variant (c.3641G>A) resulting in the same protein effect (p.Trp1214*) has been reported in individuals affected with hypertrophic cardiomyopathy (PMID: 21959974, 24093860). This variant has not been identified in the general population by the Genome Aggregation Database (gnomAD). Loss of MYBPC3 function is a known mechanism of disease. Based on the available evidence, this variant is classified as Pathogenic.

CSER _CC_NCGL, University of Washington
Classification: Likely pathogenic for Hypertrophic cardiomyopathy. Last evaluated: 2014-06-01. Review status: criteria provided, single submitter. Criteria: Amendola et al. (Genome Res. 2015). Collection method: research. Allele origin: germline. Inheritance: Autosomal dominant inheritance. Study: ESP 6500 variant annotation.
Comment: Variants classified for the Actionable exomic incidental findings in 6503 participants: challenges of variant classification manuscript

Laboratory of Genetics and Molecular Cardiology, University of São Paulo
Classification: Likely pathogenic for Hypertrophic cardiomyopathy 4. Review status: criteria provided, single submitter. Criteria: LGCM Criteria August 2015. Collection method: clinical testing. Allele origin: germline. Inheritance: Autosomal dominant inheritance. Affected: yes. Observed: 1 variant allele. Study: Sarcomeric Human Cardiomyopathy Registry (ShaRe).

PreventionGenetics, part of Exact Sciences
Classification: Pathogenic for MYBPC3-related condition. Last evaluated: 2024-02-11. Review status: no assertion criteria provided. Collection method: clinical testing. Allele origin: germline. Not counted in ClinVar's aggregate classification.
Comment: The MYBPC3 c.3642G>A variant is predicted to result in premature protein termination (p.Trp1214*). This variant has been reported in individuals with autosomal dominant hypertrophic cardiomyopathy (Marsiglia et al. 2013. PubMed ID: 24093860; Table S1 in Helms et al. 2020. PubMed ID: 32841044; Table S2 in Burstein et al. 2021. PubMed ID: 32746448). This variant has not been reported in a large population database, indicating this variant is rare. Nonsense variants in MYBPC3 are expected to be pathogenic. This variant is interpreted as pathogenic.

Literature cited by the submitters: PubMed 19574547 (cited by Labcorp Genetics (formerly Invitae), Labcorp); PubMed 21959974 (cited by Labcorp Genetics (formerly Invitae), Labcorp and Ambry Genetics); PubMed 24093860 (cited by Labcorp Genetics (formerly Invitae), Labcorp and Ambry Genetics); PubMed 23299917 (cited by Ambry Genetics); PubMed 24510615 (cited by Ambry Genetics); PubMed 25637381 (cited by Ambry Genetics); PubMed 28408708 (cited by Ambry Genetics).

NM_000256.3(MYBPC3):c.3642G>A (p.Trp1214Ter)

Gene: MYBPC3 (myosin binding protein C3; minus strand). Cytogenetic location: 11p11.2.
Variant type: single nucleotide variant.
Coding change: c.3642G>A on transcript NM_000256.3 (MANE Select); coding-DNA position 3642, G replaced by A.
Protein change: p.Trp1214Ter; replaces tryptophan 1214 with a stop codon.
Molecular consequence: nonsense.
Genome position (GRCh38, 1-based): chr11:47,332,244, C>T on the plus strand (G>A on the coding strand, the complement: MYBPC3 is on the minus strand). VCF-style: chr11-47332244-C-T. GRCh37 (hg19) VCF-style: chr11-47353795-C-T.
Other names: p.W1214*:TGG>TGA; short protein forms W1214*.
Identifiers: ClinVar variation 162506 (VCV000162506.49), dbSNP rs368765949, ClinGen allele CA014549.